The following is an entry in ClinVar:

ClinVar aggregate classification (germline): Uncertain significance (1 of 4 stars; one submission).

Allele frequency attached by ClinVar (database versions not stated): gnomAD exomes below 0.00001.
gnomAD v4.1: 1 of 1,614,108 alleles (0.000062%); highest among the groups gnomAD compares: Non-Finnish European, 0.000085%; no homozygotes.

Submission:

Quest Diagnostics Nichols Institute San Juan Capistrano
Classification: Uncertain significance. Last evaluated: 2023-04-27. Review status: criteria provided, single submitter. Criteria: Quest Diagnostics criteria. Collection method: clinical testing. Allele origin: unknown.
Comment: The beta-globin (HBB) c.193G>A (p.Gly65Ser) variant (also known as Hb Hezhou) has not been described in online databases. It also has not been reported in large, multi-ethnic general populations. In the published literature, the variant has been reported in two heterozygous Chinese individuals that were clinically normal and the protein was stable (PMID: 33843396 (2021)), however further research is needed. The variant has also been reported as part of a complex allele with c.400G>C (p.Val134Leu) known as Hb Extremadura that does show instability (PMID: 21797709 (2011)). Analysis of the Hb Hezhou variant using bioinformatics tools for the prediction of the effect of amino acid changes on protein structure and function yielded predictions that this variant is damaging. Based on the available information, we are unable to determine the clinical significance of this variant.

Literature cited by the submitters: PubMed 33843396; PubMed 21797709; PubMed 34815527.

NM_000518.5(HBB):c.193G>A (p.Gly65Ser)

Genes: HBB (hemoglobin subunit beta; minus strand), LOC106099062 (HBB recombination region; plus strand), LOC107133510 (origin of replication at HBB; plus strand). Cytogenetic location: 11p15.4.
Variant type: single nucleotide variant.
Coding change: c.193G>A on transcript NM_000518.5 (MANE Select); coding-DNA position 193, G replaced by A.
Protein change: p.Gly65Ser; replaces glycine 65 with serine.
Molecular consequence: missense variant.
Genome position (GRCh38, 1-based): chr11:5,226,699, C>T on the plus strand (G>A on the coding strand, the complement: HBB is on the minus strand). VCF-style: chr11-5226699-C-T. GRCh37 (hg19) VCF-style: chr11-5247929-C-T.
Other names: short protein forms G65S.
Identifiers: ClinVar variation 2681981 (VCV002681981.1), dbSNP rs2494295777, ClinGen allele CA379273882.
Genomic context (GRCh38, chr11:5,226,699, plus strand): 5'-TGCCCTTGAGGTTGTCCAGGTGAGCCAGGCCATCACTAAAGGCACCGAGCACTTTCTTGC[C>T]ATGAGCCTTCACCTTAGGGTTGCCCATAACAGCATCAGGAGTGGACAGATCCCCAAAGGA-3'
Protein context (NP_000509.1, residues 55-75): VMGNPKVKAH[Gly65Ser]KKVLGAFSDG